The following is an entry in ClinVar:

NM_000044.6(AR):c.2567G>A (p.Arg856His)

Gene: AR (androgen receptor; plus strand). Cytogenetic location: Xq12.
Variant type: single nucleotide variant.
Coding change: c.2567G>A on transcript NM_000044.6 (MANE Select); coding-DNA position 2567, G replaced by A.
Protein change: p.Arg856His; replaces arginine 856 with histidine.
Molecular consequence: missense variant.
Genome position (GRCh38, 1-based): chrX:67,722,944, G>A. VCF-style: chrX-67722944-G-A. GRCh37 (hg19) VCF-style: chrX-66942786-G-A.
Other names: R855H; R846H; c.971G>A, p.Arg324His (NM_001011645.3); short protein forms R856H, R324H.
Identifiers: ClinVar variation 9823 (VCV000009823.15), dbSNP rs9332971, ClinGen allele CA120721.
Genomic context (GRCh38, chrX:67,722,944, plus strand): 5'-TCAAGGAACTCGATCGTATCATTGCATGCAAAAGAAAAAATCCCACATCCTGCTCAAGAC[G>A]CTTCTACCAGCTCACCAAGCTCCTGGACTCCGTGCAGCCTGTAAGCAAACGATGGAGGGT-3'
Protein context (NP_000035.2, residues 846-866): KRKNPTSCSR[Arg856His]FYQLTKLLDS

ClinVar aggregate classification (germline): Pathogenic/Likely pathogenic. Review status: criteria provided, multiple submitters, no conflicts (2 of 4 stars). 8 submissions from 8 submitters: Pathogenic (5); Likely pathogenic (1). 2 of the submissions do not count toward it. Last evaluated 2025-10-14.

Conditions:
Androgen resistance syndrome (AIS). Also called: Androgen insensitivity, complete; DHTR DEFICIENCY; ANDROGEN RECEPTOR DEFICIENCY; Androgen insensitivity; Androgen insensitivity syndrome due to coactivator deficiency; DIHYDROTESTOSTERONE RECEPTOR DEFICIENCY. Identifiers: Orphanet 754, Orphanet 99429, MedGen C0039585, MONDO:0019154, OMIM 300068. Disease mechanism: loss of function.
Kennedy disease (SMAX1). Also called: KENNEDY SPINAL AND BULBAR MUSCULAR ATROPHY; Spinal and Bulbar Muscular Atrophy; SPINAL AND BULBAR MUSCULAR ATROPHY, X-LINKED 1. Identifiers: Orphanet 481, MedGen C1839259, MONDO:0010735, OMIM 313200.
Male infertility. Identifiers: MedGen C0021364, MeSH D007248, MONDO:0005372, HP:0003251.
Partial androgen insensitivity syndrome (PAIS). Also called: ANDROGEN INSENSITIVITY, PARTIAL, WITH OR WITHOUT BREAST CANCER; Gynecomastia, familial; Partial Androgen Insensitivity Syndrome (PAIS); Reifenstein syndrome, partial; Androgen resistance syndrome, partial; Type I familial incomplete male pseudohermaphroditism. Identifiers: Orphanet 90797, MedGen C0268301, MONDO:0010720, OMIM 312300.

Submissions (8):

Institute of Medical Genetics and Applied Genomics, University Hospital Tübingen
Classification: Pathogenic for Partial androgen insensitivity syndrome. Last evaluated: 2025-10-14. Review status: criteria provided, single submitter. Criteria: ACMG Guidelines, 2015. Collection method: clinical testing. Allele origin: germline. Inheritance: X-linked recessive inheritance. Affected: yes.

Genetics Department, Polish Mother's Memorial Hospital Research Institute
Classification: Pathogenic for Androgen resistance syndrome. Last evaluated: 2024-07-04. Review status: criteria provided, single submitter. Criteria: ACMG Guidelines, 2015. Collection method: research. Allele origin: germline. Affected: yes.
Comment: The detected NM_000044.6:c.2567G>A p.(Arg856His) variant causes a missense change involving the alteration of a conserved nucleotide. The variant was absent in control chromosomes in populational databases. The in-silico tool predicts a pathogenic outcome for this variant. In a UniProt entity ANDR_HUMAN, there are 26 pathogenic changes around, and none are benign. The variant has been reported in ClinVar as pathogenic (5 submissions) and likely pathogenic (1 submission). UniProt lists this variant as pathogenic. Another variant affecting the same amino acid position but resulting in a different missense (i.e., Arg856Cys) has been classified as pathogenic in ClinVar. The variant was classified as pathogenic with 10 ACMG points (criteria: PS4_moderate, PM1, PM2, PM5, PP3, PP4).

Genomic Medicine Center of Excellence, King Faisal Specialist Hospital and Research Centre
Classification: Pathogenic for Androgen resistance syndrome. Last evaluated: 2024-03-26. Review status: criteria provided, single submitter. Criteria: ACMG Guidelines, 2015. Collection method: clinical testing. Allele origin: germline.

Institute of Reproductive Genetics, University of Münster
Classification: Pathogenic for Male infertility. Last evaluated: 2024-01-16. Review status: criteria provided, single submitter. Criteria: Uk Practice Guidelines For Variant Classification V4 01 2020. Collection method: research, in vitro. Allele origin: germline, not applicable. Observed: 1 variant allele, 1 hemizygote.

Clinical Biochemistry Laboratory, Health Services Laboratory
Classification: Likely pathogenic for Androgen resistance syndrome. Last evaluated: 2023-11-20. Review status: criteria provided, single submitter. Criteria: ACMG Guidelines, 2015. Collection method: clinical testing. Allele origin: germline. Affected: yes.
Comment: ACMG:PM1 PM2 PP3 PP4

Labcorp Genetics (formerly Invitae), Labcorp
Classification: Pathogenic for Kennedy disease; Androgen resistance syndrome. Last evaluated: 2022-03-01. Review status: criteria provided, single submitter. Criteria: Invitae Variant Classification Sherloc (09022015). Collection method: clinical testing. Allele origin: germline.
Comment: For these reasons, this variant has been classified as Pathogenic. This variant disrupts the p.Arg856 amino acid residue in AR. Other variant(s) that disrupt this residue have been determined to be pathogenic (PMID: 7581399, 24321103). This suggests that this residue is clinically significant, and that variants that disrupt this residue are likely to be disease-causing. Algorithms developed to predict the effect of missense changes on protein structure and function are either unavailable or do not agree on the potential impact of this missense change (SIFT: "Deleterious"; PolyPhen-2: "Probably Damaging"; Align-GVGD: "Class C0"). ClinVar contains an entry for this variant (Variation ID: 9823). This variant is also known as R853H and 2926G>A (R855H). This missense change has been observed in individuals with partial androgen insensitivity syndrome (PMID: 1430233, 8097257, 24737579). It has also been observed to segregate with disease in related individuals. This variant is not present in population databases (gnomAD no frequency). This sequence change replaces arginine, which is basic and polar, with histidine, which is basic and polar, at codon 856 of the AR protein (p.Arg856His).

Clinical Molecular Genetics Laboratory, Johns Hopkins All Children's Hospital
Classification: Pathogenic for Androgen resistance syndrome. Last evaluated: 2014-07-14. Review status: no assertion criteria provided. Collection method: clinical testing. Allele origin: germline. Affected: yes. Not counted in ClinVar's aggregate classification.

OMIM
Classification: Pathogenic for ANDROGEN INSENSITIVITY, PARTIAL. Last evaluated: 1993-03-01. Review status: no assertion criteria provided. Collection method: literature only. Allele origin: germline. Not counted in ClinVar's aggregate classification.

Literature cited by the submitters: PubMed 7581399 (cited by Labcorp Genetics (formerly Invitae), Labcorp); PubMed 24321103 (cited by Labcorp Genetics (formerly Invitae), Labcorp); PubMed 1430233 (cited by Labcorp Genetics (formerly Invitae), Labcorp); PubMed 8097257 (cited by Labcorp Genetics (formerly Invitae), Labcorp and OMIM); PubMed 24737579 (cited by Labcorp Genetics (formerly Invitae), Labcorp).